The following is an entry in ClinVar:

ClinVar aggregate classification (germline): Uncertain significance (1 of 4 stars; one submission).

Submission:

Women's Health and Genetics/Laboratory Corporation of America, LabCorp
Classification: Uncertain significance. Last evaluated: 2026-05-26. Review status: criteria provided, single submitter. Criteria: LabCorp Variant Classification Summary - May 2015. Collection method: clinical testing. Allele origin: germline.
Comment: Variant summary: NEXN c.106G>C (p.Glu36Gln) results in a conservative amino acid change in the encoded protein sequence. Algorithms developed to predict the effect of missense changes on protein structure and function are either unavailable or do not agree on the potential impact of this missense change. The variant was absent in 249368 control chromosomes. The available data on variant occurrences in the general population are insufficient to allow any conclusion about variant significance. To our knowledge, no occurrence of c.106G>C in individuals affected with NEXN-related conditions and no experimental evidence demonstrating its impact on protein function have been reported. No submitters have cited clinical-significance assessments for this variant to ClinVar. Based on the evidence outlined above, the variant was classified as uncertain significance.

NM_144573.4(NEXN):c.106G>C (p.Glu36Gln)

Gene: NEXN (nexilin F-actin binding protein; plus strand). Cytogenetic location: 1p31.1.
Variant type: single nucleotide variant.
Coding change: c.106G>C on transcript NM_144573.4 (MANE Select); coding-DNA position 106, G replaced by C.
Protein change: p.Glu36Gln; replaces glutamic acid 36 with glutamine.
Molecular consequence: missense variant. On other transcripts: intron variant (1).
Genome position (GRCh38, 1-based): chr1:77,917,644, G>C. VCF-style: chr1-77917644-G-C. GRCh37 (hg19) VCF-style: chr1-78383329-G-C.
Other names: c.28-316G>C (NM_001172309.2); short protein forms E36Q.
Identifiers: ClinVar variation 4853673 (VCV004853673.1).